The following is an entry in ClinVar:

ClinVar aggregate classification (germline): Likely benign. Review status: criteria provided, single submitter (1 of 4 stars). 2 submissions from 2 submitters: Likely benign (1). 1 of the submissions does not count toward it. Last evaluated 2024-05-07.

Conditions:
ATP2B3-related disorder. Also called: ATP2B3-related condition.

Allele frequency attached by ClinVar (database versions not stated): gnomAD exomes 0.00006; ExAC 0.00041; ESP Exome Variant Server 0.00066; 1000 Genomes Project 0.00159; 1000 Genomes Project 30x 0.00208.
gnomAD v4.1: 156 of 1,204,198 alleles (0.013%); highest among the groups gnomAD compares: African/African-American, 0.15%; no homozygotes.

Submissions (2):

Blueprint Genetics
Classification: Likely benign. Last evaluated: 2024-05-07. Review status: criteria provided, single submitter. Criteria: ACMG Guidelines, 2015. Collection method: clinical testing. Allele origin: germline.

PreventionGenetics, part of Exact Sciences
Classification: Likely benign for ATP2B3-related condition. Last evaluated: 2019-11-25. Review status: no assertion criteria provided. Collection method: clinical testing. Allele origin: germline. Not counted in ClinVar's aggregate classification.
Comment: This variant is classified as likely benign based on ACMG/AMP sequence variant interpretation guidelines (Richards et al. 2015 PMID: 25741868, with internal and published modifications).

NM_001001344.3(ATP2B3):c.135G>A (p.Ala45=)

Gene: ATP2B3 (ATPase plasma membrane Ca2+ transporting 3; plus strand). Cytogenetic location: Xq28.
Variant type: single nucleotide variant.
Coding change: c.135G>A on transcript NM_001001344.3 (MANE Select); coding-DNA position 135, G replaced by A.
Protein change: p.Ala45=; no amino-acid change (alanine 45 retained).
Molecular consequence: synonymous variant.
Genome position (GRCh38, 1-based): chrX:153,536,382, G>A. VCF-style: chrX-153536382-G-A. GRCh37 (hg19) VCF-style: chrX-152801840-G-A.
Other names: c.135G>A, p.Ala45= (NM_001388360.1, NM_001388361.1, NM_001388362.1 and 2 more transcripts).
Identifiers: ClinVar variation 3041009 (VCV003041009.3), dbSNP rs144995459, ClinGen allele CA10547418.
Genomic context (GRCh38, chrX:153,536,382, plus strand): 5'-AGGCTTTGGGTGCACGCTGGCGGAGCTGCGCACCCTCATGGAGCTGCGAGGGGCCGAGGC[G>A]CTGCAGAAGATCGAGGAGGCCTACGGGGATGTCAGCGGGCTCTGCCGGAGGCTGAAGACC-3'
Protein context (NP_001001344.1, residues 35-55): RTLMELRGAE[Ala45=]LQKIEEAYGD